The following is an entry in ClinVar:

ClinVar aggregate classification (germline): Uncertain significance. Review status: criteria provided, multiple submitters, no conflicts (2 of 4 stars). 2 submissions from 2 submitters: Uncertain significance (2). Last evaluated 2024-10-16.

Conditions:
Developmental and epileptic encephalopathy, 34 (DEE34). Also called: SLC12A5-Related Epilepsy of Infancy with Migrating Focal Seizures; Early infantile epileptic encephalopathy 34. Identifiers: Orphanet 293181, MedGen C4225257, MONDO:0014718, OMIM 616645.

Allele frequency attached by ClinVar (database versions not stated): gnomAD exomes below 0.00001; TOPMed below 0.00001.
gnomAD v4.1: 1 of 1,612,724 alleles (0.000062%); highest among the groups gnomAD compares: Non-Finnish European, 0.000085%; no homozygotes.

Submissions (2):

Labcorp Genetics (formerly Invitae), Labcorp
Classification: Uncertain significance for Developmental and epileptic encephalopathy, 34. Last evaluated: 2024-10-16. Review status: criteria provided, single submitter. Criteria: Invitae Variant Classification Sherloc (09022015). Collection method: clinical testing. Allele origin: germline.
Comment: This sequence change replaces tyrosine, which is neutral and polar, with cysteine, which is neutral and slightly polar, at codon 880 of the SLC12A5 protein (p.Tyr880Cys). This variant is present in population databases (no rsID available, gnomAD 0.007%). This variant has not been reported in the literature in individuals affected with SLC12A5-related conditions. ClinVar contains an entry for this variant (Variation ID: 1046461). Invitae Evidence Modeling of protein sequence and biophysical properties (such as structural, functional, and spatial information, amino acid conservation, physicochemical variation, residue mobility, and thermodynamic stability) indicates that this missense variant is expected to disrupt SLC12A5 protein function with a positive predictive value of 80%. In summary, the available evidence is currently insufficient to determine the role of this variant in disease. Therefore, it has been classified as a Variant of Uncertain Significance.

Women's Health and Genetics/Laboratory Corporation of America, LabCorp
Classification: Uncertain significance. Last evaluated: 2024-02-23. Review status: criteria provided, single submitter. Criteria: LabCorp Variant Classification Summary - May 2015. Collection method: clinical testing. Allele origin: germline.
Comment: Variant summary: SLC12A5 c.2708A>G (p.Tyr903Cys) results in a non-conservative amino acid change located in the SLC12A transporter, C-terminal domain (IPR018491) of the encoded protein sequence. Five of five in-silico tools predict a damaging effect of the variant on protein function. The variant was absent in 248626 control chromosomes (gnomAD). The available data on variant occurrences in the general population are insufficient to allow any conclusion about variant significance. To our knowledge, no occurrence of c.2708A>G in individuals affected with Developmental And Epileptic Encephalopathy, 34 and no experimental evidence demonstrating its impact on protein function have been reported. ClinVar contains an entry for this variant (Variation ID: 1046461). Based on the evidence outlined above, the variant was classified as uncertain significance.

NM_020708.5(SLC12A5):c.2639A>G (p.Tyr880Cys)

Gene: SLC12A5 (solute carrier family 12 member 5; plus strand). Cytogenetic location: 20q13.12.
Variant type: single nucleotide variant.
Coding change: c.2639A>G on transcript NM_020708.5 (MANE Select); coding-DNA position 2639, A replaced by G.
Protein change: p.Tyr880Cys; replaces tyrosine 880 with cysteine.
Molecular consequence: missense variant.
Genome position (GRCh38, 1-based): chr20:46,053,669, A>G. VCF-style: chr20-46053669-A-G. GRCh37 (hg19) VCF-style: chr20-44682308-A-G.
Other names: c.2708A>G, p.Tyr903Cys (NM_001134771.2); short protein forms Y903C, Y880C.
Identifiers: ClinVar variation 1046461 (VCV001046461.11), dbSNP rs1270290272, ClinGen allele CA409206095.